The following is an entry in ClinVar:

NM_004006.3(DMD):c.10600A>T (p.Lys3534Ter)

Gene: DMD (dystrophin; minus strand). Cytogenetic location: Xp21.2.
Variant type: single nucleotide variant.
Coding change: c.10600A>T on transcript NM_004006.3 (MANE Select); coding-DNA position 10600, A replaced by T.
Protein change: p.Lys3534Ter; replaces lysine 3534 with a stop codon.
Molecular consequence: nonsense.
Genome position (GRCh38, 1-based): chrX:31,147,472, T>A on the plus strand (A>T on the coding strand, the complement: DMD is on the minus strand). VCF-style: chrX-31147472-T-A. GRCh37 (hg19) VCF-style: chrX-31165589-T-A.
Other names: c.10576A>T, p.Lys3526Ter (NM_000109.4); c.10588A>T, p.Lys3530Ter (NM_004009.3); c.10231A>T, p.Lys3411Ter (NM_004010.3); c.6577A>T, p.Lys2193Ter (NM_004011.4); c.6568A>T, p.Lys2190Ter (NM_004012.4); c.3220A>T, p.Lys1074Ter (NM_004013.3, NM_004021.3); c.2413A>T, p.Lys805Ter (NM_004014.3); c.1396A>T, p.Lys466Ter (NM_004015.3, NM_004016.3); and 3 more; short protein forms K1061*, K1074*, K2190*, K2193*, K3411*, K3526*, K3530*, K3534*.
Identifiers: ClinVar variation 4855150 (VCV004855150.1).
Genomic context (GRCh38, chrX:31,147,472, plus strand): 5'-GGGGACTCTGGGGAGAGGTGGGCATCATTTCAGGAGGGGACGGCAGTGGGGACAGGCCTT[T>A]ATGTTCGTGCTGCTGCTTTAGACGGTCATATTCTGCTTGCAGATTCCTATTGGCATCAAA-3'

ClinVar aggregate classification (germline): Likely pathogenic (1 of 4 stars; one submission).

Conditions:
DMD-related disorder. Also called: DMD-related condition.

Submission:

3billion
Classification: Likely pathogenic for DMD-related disorder. Last evaluated: 2025-06-21. Review status: criteria provided, single submitter. Criteria: ACMG Guidelines, 2015. Collection method: clinical testing. Allele origin: germline. Affected: yes.
Comment: The variant is not observed in the gnomAD v4.1.0 dataset. Predicted Consequence/Location: Stop-gained (nonsense): predicted to result in a loss or disruption of normal protein function through nonsense-mediated decay (NMD) or protein truncation. Multiple pathogenic variants are reported downstream of the variant. Therefore, this variant is classified as Likely pathogenic according to the recommendation of ACMG/AMP guideline.